The following is an entry in ClinVar:

ClinVar aggregate classification (germline): Uncertain significance. Review status: criteria provided, multiple submitters, no conflicts (2 of 4 stars). 2 submissions from 2 submitters: Uncertain significance (2). Last evaluated 2022-12-28.

Conditions:
Inborn genetic diseases. Identifiers: MedGen C0950123, MeSH D030342.

Allele frequency attached by ClinVar (database versions not stated): gnomAD 0.00003; ESP Exome Variant Server 0.00008; 1000 Genomes Project 0.00020; 1000 Genomes Project 30x 0.00031.
gnomAD v4.1: 15 of 1,614,006 alleles (0.00093%); highest among the groups gnomAD compares: African/African-American, 0.004%; no homozygotes.

Submissions (2):

Ambry Genetics
Classification: Uncertain significance for Inborn genetic diseases. Last evaluated: 2022-12-28. Review status: criteria provided, single submitter. Criteria: Ambry Variant Classification Scheme 2023. Collection method: clinical testing. Allele origin: germline.

Labcorp Genetics (formerly Invitae), Labcorp
Classification: Uncertain significance. Last evaluated: 2022-10-03. Review status: criteria provided, single submitter. Criteria: Invitae Variant Classification Sherloc (09022015). Collection method: clinical testing. Allele origin: germline.
Comment: In summary, the available evidence is currently insufficient to determine the role of this variant in disease. Therefore, it has been classified as a Variant of Uncertain Significance. Advanced modeling of protein sequence and biophysical properties (such as structural, functional, and spatial information, amino acid conservation, physicochemical variation, residue mobility, and thermodynamic stability) performed at Invitae indicates that this missense variant is not expected to disrupt FAM111A protein function. This variant has not been reported in the literature in individuals affected with FAM111A-related conditions. This variant is present in population databases (rs369758756, gnomAD 0.01%). This sequence change replaces valine, which is neutral and non-polar, with methionine, which is neutral and non-polar, at codon 297 of the FAM111A protein (p.Val297Met).

NM_001312909.2(FAM111A):c.889G>A (p.Val297Met)

Gene: FAM111A (FAM111 trypsin like peptidase A; plus strand). Cytogenetic location: 11q12.1.
Variant type: single nucleotide variant.
Coding change: c.889G>A on transcript NM_001312909.2 (MANE Select); coding-DNA position 889, G replaced by A.
Protein change: p.Val297Met; replaces valine 297 with methionine.
Molecular consequence: missense variant.
Genome position (GRCh38, 1-based): chr11:59,152,557, G>A. VCF-style: chr11-59152557-G-A. GRCh37 (hg19) VCF-style: chr11-58920030-G-A.
Other names: c.889G>A, p.Val297Met (NM_001142519.3, NM_001142520.3, NM_001142521.3 and 29 more transcripts); short protein forms V297M.
Identifiers: ClinVar variation 1905316 (VCV001905316.6), dbSNP rs369758756, ClinGen allele CA6016669.